The following is an entry in ClinVar:

NM_177438.3(DICER1):c.3304A>T (p.Ile1102Phe)

Gene: DICER1 (dicer 1, ribonuclease III; minus strand). Cytogenetic location: 14q32.13.
Variant type: single nucleotide variant.
Coding change: c.3304A>T on transcript NM_177438.3 (MANE Select); coding-DNA position 3304, A replaced by T.
Protein change: p.Ile1102Phe; replaces isoleucine 1102 with phenylalanine.
Molecular consequence: missense variant.
Genome position (GRCh38, 1-based): chr14:95,104,092, T>A on the plus strand (A>T on the coding strand, the complement: DICER1 is on the minus strand). VCF-style: chr14-95104092-T-A. GRCh37 (hg19) VCF-style: chr14-95570429-T-A.
Other names: c.3304A>T, p.Ile1102Phe (NM_001195573.1, NM_001271282.3, NM_001291628.2 and 1 more transcripts); short protein forms I1102F.
Identifiers: ClinVar variation 1000493 (VCV001000493.10), dbSNP rs750159753, ClinGen allele CA265906347.
Genomic context (GRCh38, chr14:95,104,092, plus strand): 5'-AGTAATTATCATTTTCAGCTGAAGAGGAGTTAGAAATTGAGATGAAAGATTTGCTGTCAA[T>A]AGATTTTTTCCACCCGAAGTCTAAGTTAGGGTATCTGCAAAGACATTTTTATAACTTTAC-3'
Protein context (NP_803187.1, residues 1092-1112): PNLDFGWKKS[Ile1102Phe]DSKSFISISN

ClinVar aggregate classification (germline): Uncertain significance (1 of 4 stars; one submission).

Conditions:
DICER1-related tumor predisposition. Also called: DICER1 syndrome; DICER1-related pleuropulmonary blastoma cancer predisposition syndrome. Identifiers: Orphanet 284343, MedGen C3839822, MONDO:0100216.

Allele frequency attached by ClinVar (database versions not stated): TOPMed 0.00001.

Submission:

Labcorp Genetics (formerly Invitae), Labcorp
Classification: Uncertain significance for DICER1-related tumor predisposition. Last evaluated: 2020-09-09. Review status: criteria provided, single submitter. Criteria: Invitae Variant Classification Sherloc (09022015). Collection method: clinical testing. Allele origin: germline.
Comment: In summary, the available evidence is currently insufficient to determine the role of this variant in disease. Therefore, it has been classified as a Variant of Uncertain Significance. Algorithms developed to predict the effect of missense changes on protein structure and function are either unavailable or do not agree on the potential impact of this missense change (SIFT: "Tolerated"; PolyPhen-2: "Probably Damaging"; Align-GVGD: "Class C0"). This variant has not been reported in the literature in individuals with DICER1-related conditions. This variant is not present in population databases (ExAC no frequency). This sequence change replaces isoleucine with phenylalanine at codon 1102 of the DICER1 protein (p.Ile1102Phe). The isoleucine residue is highly conserved and there is a small physicochemical difference between isoleucine and phenylalanine.